The following is an entry in ClinVar:

ClinVar aggregate classification (germline): Pathogenic. Review status: criteria provided, single submitter (1 of 4 stars). 2 submissions from 2 submitters: Pathogenic (1). 1 of the submissions does not count toward it. Last evaluated 2023-05-12.

Conditions:
Leber congenital amaurosis (LCA). Also called: Leber's amaurosis. Identifiers: Orphanet 65, MedGen C0339527, MeSH D057130, MONDO:0018998.

Allele frequency attached by ClinVar (database versions not stated): gnomAD 0.00001.
gnomAD v4.1: 1 of 1,614,054 alleles (0.000062%); highest among the groups gnomAD compares: Middle Eastern, 0.016%; no homozygotes.

Submissions (2):

Labcorp Genetics (formerly Invitae), Labcorp
Classification: Pathogenic. Last evaluated: 2023-05-12. Review status: criteria provided, single submitter. Criteria: Invitae Variant Classification Sherloc (09022015). Collection method: clinical testing. Allele origin: germline.
Comment: This sequence change creates a premature translational stop signal (p.Trp450*) in the TULP1 gene. It is expected to result in an absent or disrupted protein product. Loss-of-function variants in TULP1 are known to be pathogenic (PMID: 8606774, 10549638, 15024725, 18055821). This variant is not present in population databases (gnomAD no frequency). This premature translational stop signal has been observed in individual(s) with TULP1-related conditions (PMID: 24474277, 31456290). ClinVar contains an entry for this variant (Variation ID: 812438). For these reasons, this variant has been classified as Pathogenic.

Sharon lab, Hadassah-Hebrew University Medical Center
Classification: Pathogenic for Leber congenital amaurosis. Last evaluated: 2019-06-23. Review status: no assertion criteria provided. Collection method: research. Allele origin: inherited. Affected: yes. Not counted in ClinVar's aggregate classification.

Literature cited by the submitters: PubMed 8606774 (cited by Labcorp Genetics (formerly Invitae), Labcorp); PubMed 10549638 (cited by Labcorp Genetics (formerly Invitae), Labcorp); PubMed 15024725 (cited by Labcorp Genetics (formerly Invitae), Labcorp); PubMed 18055821 (cited by Labcorp Genetics (formerly Invitae), Labcorp); PubMed 24474277 (cited by Labcorp Genetics (formerly Invitae), Labcorp); PubMed 31456290 (cited by Labcorp Genetics (formerly Invitae), Labcorp).

NM_003322.6(TULP1):c.1349G>A (p.Trp450Ter)

Gene: TULP1 (TUB like protein 1; minus strand). Cytogenetic location: 6p21.31.
Variant type: single nucleotide variant.
Coding change: c.1349G>A on transcript NM_003322.6 (MANE Select); coding-DNA position 1349, G replaced by A.
Protein change: p.Trp450Ter; replaces tryptophan 450 with a stop codon.
Molecular consequence: nonsense.
Genome position (GRCh38, 1-based): chr6:35,500,127, C>T on the plus strand (G>A on the coding strand, the complement: TULP1 is on the minus strand). VCF-style: chr6-35500127-C-T. GRCh37 (hg19) VCF-style: chr6-35467904-C-T.
Other names: c.1190G>A, p.Trp397Ter (NM_001289395.2); short protein forms W450*, W397*.
Identifiers: ClinVar variation 812438 (VCV000812438.4), dbSNP rs1581736099, ClinGen allele CA363778947.